The following is an entry in ClinVar:

ClinVar aggregate classification (germline): Uncertain significance (1 of 4 stars; one submission).

Conditions:
Leber congenital amaurosis 1 (LCA1). Also called: AMAUROSIS CONGENITA OF LEBER I; RETINAL BLINDNESS, CONGENITAL; Congenital absence of the rods and cones; Leber's congenital tapetoretinal degeneration; Leber's congenital tapetoretinal dysplasia. Identifiers: Orphanet 65, MedGen C2931258, MONDO:0008764, OMIM 204000.
Cone-rod dystrophy 6 (CORD6). Also called: RETINAL CONE DYSTROPHY 2; Cone dystrophy progressive. Identifiers: Orphanet 1872, MedGen C1866293, MONDO:0011143, OMIM 601777.

gnomAD v4.1: 1 of 1,595,016 alleles (0.000063%); highest among the groups gnomAD compares: Non-Finnish European, 0.000086%; no homozygotes.

Submission:

Labcorp Genetics (formerly Invitae), Labcorp
Classification: Uncertain significance for Leber congenital amaurosis 1; Cone-rod dystrophy 6. Last evaluated: 2025-06-24. Review status: criteria provided, single submitter. Criteria: Invitae Variant Classification Sherloc (09022015). Collection method: clinical testing. Allele origin: germline.
Comment: This sequence change replaces glutamic acid, which is acidic and polar, with lysine, which is basic and polar, at codon 556 of the GUCY2D protein (p.Glu556Lys). This variant is not present in population databases (gnomAD no frequency). This variant has not been reported in the literature in individuals affected with GUCY2D-related conditions. An algorithm developed to predict the effect of missense changes on protein structure and function (PolyPhen-2) suggests that this variant is likely to be disruptive. In summary, the available evidence is currently insufficient to determine the role of this variant in disease. Therefore, it has been classified as a Variant of Uncertain Significance.

NM_000180.4(GUCY2D):c.1666G>A (p.Glu556Lys)

Gene: GUCY2D (guanylate cyclase 2D, retinal; plus strand). Cytogenetic location: 17p13.1.
Variant type: single nucleotide variant.
Coding change: c.1666G>A on transcript NM_000180.4 (MANE Select); coding-DNA position 1666, G replaced by A.
Protein change: p.Glu556Lys; replaces glutamic acid 556 with lysine.
Molecular consequence: missense variant.
Genome position (GRCh38, 1-based): chr17:8,008,030, G>A. VCF-style: chr17-8008030-G-A. GRCh37 (hg19) VCF-style: chr17-7911348-G-A.
Other names: short protein forms E556K.
Identifiers: ClinVar variation 4787920 (VCV004787920.1).